The following is an entry in ClinVar:

NM_000540.3(RYR1):c.2635G>A (p.Glu879Lys)

Gene: RYR1 (ryanodine receptor 1; plus strand). Cytogenetic location: 19q13.2.
Variant type: single nucleotide variant.
Coding change: c.2635G>A on transcript NM_000540.3 (MANE Select); coding-DNA position 2635, G replaced by A.
Protein change: p.Glu879Lys; replaces glutamic acid 879 with lysine.
Molecular consequence: missense variant.
Genome position (GRCh38, 1-based): chr19:38,463,480, G>A. VCF-style: chr19-38463480-G-A. GRCh37 (hg19) VCF-style: chr19-38954120-G-A.
Other names: c.2635G>A, p.Glu879Lys (NM_001042723.2); short protein forms E879K.
Identifiers: ClinVar variation 282797 (VCV000282797.22), dbSNP rs746904839, ClinGen allele CA063626.

ClinVar aggregate classification (germline): Conflicting classifications of pathogenicity. Review status: criteria provided, conflicting classifications (1 of 4 stars). 6 submissions from 6 submitters: Likely pathogenic (1); Uncertain significance (5). Last evaluated 2025-05-22.

Conditions:
RYR1-related disorder. Also called: RYR1-related disorders; RYR1-related condition. Identifiers: MedGen CN239331.
Malignant hyperthermia, susceptibility to, 1 (MHS1). Also called: RYR1-Related Malignant Hyperthermia Susceptibility; Malignant hyperthermia suceptibility 1; Anesthesia related hyperthermia; Malignant hyperpyrexia; Fulminating hyperpyrexia; Pharmacogenic myopathy. Identifiers: Orphanet 423, MedGen C2930980, MONDO:0007783, OMIM 145600.

Allele frequency attached by ClinVar (database versions not stated): ExAC 0.00001; TOPMed 0.00001; gnomAD exomes 0.00002.
gnomAD v4.1: 50 of 1,613,576 alleles (0.0031%); highest among the groups gnomAD compares: Non-Finnish European, 0.0039%; no homozygotes.

Submissions (6):

Labcorp Genetics (formerly Invitae), Labcorp
Classification: Likely pathogenic for RYR1-related disorder. Last evaluated: 2025-05-22. Review status: criteria provided, single submitter. Criteria: Invitae Variant Classification Sherloc (09022015). Collection method: clinical testing. Allele origin: germline.
Comment: This sequence change replaces glutamic acid, which is acidic and polar, with lysine, which is basic and polar, at codon 879 of the RYR1 protein (p.Glu879Lys). This variant is present in population databases (rs746904839, gnomAD 0.005%). This missense change has been observed in individuals with autosomal recessive congenital myopathy (PMID: 21911697; internal data). ClinVar contains an entry for this variant (Variation ID: 282797). Invitae Evidence Modeling of protein sequence and biophysical properties (such as structural, functional, and spatial information, amino acid conservation, physicochemical variation, residue mobility, and thermodynamic stability) indicates that this missense variant is expected to disrupt RYR1 protein function with a positive predictive value of 95%. In summary, the currently available evidence indicates that the variant is pathogenic, but additional data are needed to prove that conclusively. Therefore, this variant has been classified as Likely Pathogenic.

All of Us Research Program, National Institutes of Health
Classification: Uncertain significance for Malignant hyperthermia, susceptibility to, 1. Last evaluated: 2024-08-13. Review status: criteria provided, single submitter. Criteria: ACMG Guidelines, 2015. Collection method: clinical testing. Allele origin: germline. Inheritance: Autosomal dominant inheritance. Observed: 4 variant alleles, 4 heterozygotes.
Comment: This missense variant replaces glutamic acid with lysine at codon 879 of the RYR1 protein. Computational prediction suggests that this variant may have deleterious impact on protein structure and function. To our knowledge, functional studies have not been reported for this variant. This variant has been reported in an individual affected with exertional heat illness who tested negative for malignant hyperthermia susceptibility (PMID: 32054689) and in an individual with autosomal recessive congenital myopathy (PMID: 21911697). This variant has been identified in 4/250466 chromosomes in the general population by the Genome Aggregation Database (gnomAD). The available evidence is insufficient to determine the role of this variant in autosomal dominant malignant hyperthermia susceptibility conclusively. Therefore, this variant is classified as a Variant of Uncertain Significance.

This study involves interpretation of variants in research participants for the purpose of population health screening. Participant phenotype was not available at the time of variant classification. Additional details can be found in publication PMID: 35346344, PMCID: PMC8962531

Color Diagnostics, LLC DBA Color Health
Classification: Uncertain significance for Malignant hyperthermia, susceptibility to, 1. Last evaluated: 2024-06-17. Review status: criteria provided, single submitter. Criteria: ACMG Guidelines, 2015. Collection method: clinical testing. Allele origin: germline.
Comment: This missense variant replaces glutamic acid with lysine at codon 879 of the RYR1 protein. Computational prediction suggests that this variant may have deleterious impact on protein structure and function. To our knowledge, functional studies have not been reported for this variant. This variant has been reported in an individual affected with exertional heat illness who tested negative for malignant hyperthermia susceptibility (PMID: 32054689) and in an individual with autosomal recessive congenital myopathy (PMID: 21911697). This variant has been identified in 4/250466 chromosomes in the general population by the Genome Aggregation Database (gnomAD). The available evidence is insufficient to determine the role of this variant in autosomal dominant malignant hyperthermia susceptibility conclusively. Therefore, this variant is classified as a Variant of Uncertain Significance.

Revvity Omics, Revvity
Classification: Uncertain significance. Last evaluated: 2019-06-27. Review status: criteria provided, single submitter. Criteria: ACMG Guidelines, 2015. Collection method: clinical testing. Allele origin: germline.

Laboratory for Molecular Medicine, Mass General Brigham Personalized Medicine
Classification: Uncertain significance. Last evaluated: 2016-10-13. Review status: criteria provided, single submitter. Criteria: LMM Criteria. Collection method: clinical testing. Allele origin: germline.
Comment: Variant identified in a genome or exome case(s) and assessed due to predicted null impact of the variant or pathogenic assertions in the literature or databases. Disclaimer: This variant has not undergone full assessment. The following are preliminary notes: Seen in 3 probands compound het with a second splice mutation. Not in ClinVar. MaxMAF is 0.002%. AA strongly conserved.

Eurofins Ntd Llc (ga)
Classification: Uncertain significance. Last evaluated: 2015-08-25. Review status: criteria provided, single submitter. Criteria: EGL Classification Definitions 2015. Collection method: clinical testing. Allele origin: germline. Observed: 1 variant allele, 1 heterozygote.

Literature cited by the submitters: PubMed 21911697 (cited by 3 submitters); PubMed 32054689 (cited by All of Us Research Program, National Institutes of Health and Color Diagnostics, LLC DBA Color Health).